The following is an entry in ClinVar:

NM_000264.5(PTCH1):c.4171C>T (p.Arg1391Trp)

Gene: PTCH1 (patched 1; minus strand). Cytogenetic location: 9q22.32.
Variant type: single nucleotide variant.
Coding change: c.4171C>T on transcript NM_000264.5 (MANE Select); coding-DNA position 4171, C replaced by T.
Protein change: p.Arg1391Trp; replaces arginine 1391 with tryptophan.
Molecular consequence: missense variant. On other transcripts: non-coding transcript variant (1).
Genome position (GRCh38, 1-based): chr9:95,447,085, G>A on the plus strand (C>T on the coding strand, the complement: PTCH1 is on the minus strand). VCF-style: chr9-95447085-G-A. GRCh37 (hg19) VCF-style: chr9-98209367-G-A.
Other names: c.3973C>T, p.Arg1325Trp (NM_001083602.3); c.4168C>T, p.Arg1390Trp (NM_001083603.3); c.3718C>T, p.Arg1240Trp (NM_001083604.3, NM_001083605.3, NM_001083606.3 and 1 more transcripts); c.4015C>T, p.Arg1339Trp (NM_001354918.2); c.4171C>T (NM_000264.4); short protein forms R1325W, R1391W, R1339W, R1240W, R1390W.
Identifiers: ClinVar variation 41665 (VCV000041665.36), dbSNP rs45535032, ClinGen allele CA215725.

ClinVar aggregate classification (germline): Likely benign. Review status: criteria provided, multiple submitters, no conflicts (2 of 4 stars). 7 submissions from 7 submitters: Likely benign (5). 2 of the submissions do not count toward it. Last evaluated 2026-01-28.

Conditions:
Hereditary cancer-predisposing syndrome. Also called: Tumor predisposition; Neoplastic Syndromes, Hereditary; Hereditary Cancer Syndrome; Hereditary neoplastic syndrome. Identifiers: Orphanet 140162, MedGen C0027672, MeSH D009386, MONDO:0015356.
Gorlin syndrome. Also called: Basal cell nevus syndrome; Nevoid Basal Cell Carcinoma Syndrome. Identifiers: Orphanet 377, MedGen C0004779, MONDO:0007187.
PTCH1-related disorder. Also called: PTCH1-related disorders; PTCH1-related condition.

Allele frequency attached by ClinVar (database versions not stated): gnomAD 0.00003; TOPMed 0.00010; 1000 Genomes Project 30x 0.00016; ESP Exome Variant Server 0.00023.
gnomAD v4.1: 146 of 1,613,870 alleles (0.009%); highest among the groups gnomAD compares: Non-Finnish European, 0.011%; no homozygotes.

Submissions (7):

Labcorp Genetics (formerly Invitae), Labcorp
Classification: Likely benign for Gorlin syndrome. Last evaluated: 2026-01-28. Review status: criteria provided, single submitter. Criteria: Invitae Variant Classification Sherloc (09022015). Collection method: clinical testing. Allele origin: germline.

CeGaT Center for Human Genetics Tuebingen
Classification: Likely benign. Last evaluated: 2024-11-01. Review status: criteria provided, single submitter. Criteria: CeGaT Center For Human Genetics Tuebingen Variant Classification Criteria Version 2. Collection method: clinical testing. Allele origin: germline. Affected: yes. Observed: 1 variant allele.
Comment: PTCH1: BP4, BS1

Quest Diagnostics Nichols Institute San Juan Capistrano
Classification: Likely benign. Last evaluated: 2023-08-14. Review status: criteria provided, single submitter. Criteria: Quest Diagnostics criteria. Collection method: clinical testing. Allele origin: unknown.

Sema4
Classification: Likely benign for Hereditary cancer-predisposing syndrome. Last evaluated: 2021-09-24. Review status: criteria provided, single submitter. Criteria: Sema4 Curation Guidelines. Collection method: curation. Allele origin: germline.

Ambry Genetics
Classification: Likely benign for Hereditary cancer-predisposing syndrome. Last evaluated: 2018-04-06. Review status: criteria provided, single submitter. Criteria: Ambry Variant Classification Scheme 2023. Collection method: clinical testing. Allele origin: germline.

PreventionGenetics, part of Exact Sciences
Classification: Likely benign for PTCH1-related condition. Last evaluated: 2023-12-19. Review status: no assertion criteria provided. Collection method: clinical testing. Allele origin: germline. Not counted in ClinVar's aggregate classification.
Comment: This variant is classified as likely benign based on ACMG/AMP sequence variant interpretation guidelines (Richards et al. 2015 PMID: 25741868, with internal and published modifications).

Biesecker Lab/Clinical Genomics Section, National Institutes of Health
Classification: Uncertain significance. Last evaluated: 2012-07-13. Review status: no assertion criteria provided. Collection method: research. Allele origin: germline. Affected: no. Observed: 1 variant allele. Study: ClinSeq. Not counted in ClinVar's aggregate classification.
ClinVar note: Converted during submission from variant of unknown significance to Uncertain significance.

Literature cited by the submitters: PubMed 29212164 (cited by Quest Diagnostics Nichols Institute San Juan Capistrano and Sema4).